The following is an entry in ClinVar:

NM_003482.4(KMT2D):c.3231dup (p.Val1078fs)

Gene: KMT2D (lysine methyltransferase 2D; minus strand). Cytogenetic location: 12q13.12.
Variant type: Duplication.
Coding change: c.3231dup on transcript NM_003482.4 (MANE Select); coding-DNA position 3231, one base duplicated (A; older notation c.3231dupA).
Protein change: p.Val1078fs; shifts the reading frame from valine 1078.
Molecular consequence: frameshift variant.
Genome position (GRCh38, 1-based): chr12:49,050,357, T duplicated on the plus strand (A on the coding strand, the reverse complement: KMT2D is on the minus strand); the first of 3 consecutive T bases (chr12:49,050,357-49,050,359); duplicating any one gives the same sequence. VCF-style (leftmost placement, unchanged base first): chr12-49050356-C-CT. GRCh37 (hg19) VCF-style: chr12-49444139-C-CT.
Other names: short protein forms V1078fs.
Identifiers: ClinVar variation 3893195 (VCV003893195.1).

ClinVar aggregate classification (germline): Likely pathogenic (1 of 4 stars; one submission).

Conditions:
Kabuki syndrome 1 (KABUK1). Also called: KMT2D-Related Kabuki Syndrome. Identifiers: Orphanet 2322, MedGen CN030661, MONDO:0007843, OMIM 147920.

Submission:

Kasturba Medical College, Manipal, Kasturba Medical College, Manipal, Manipal Academy of Higher Education, Manipal, India
Classification: Likely pathogenic for Kabuki syndrome 1. Review status: criteria provided, single submitter. Criteria: ACMG Guidelines, 2015. Collection method: research. Allele origin: de novo. Inheritance: Autosomal dominant inheritance. Affected: yes. Observed: 1 heterozygote.
Comment: This variant has not been observed in homozygous and/or heterozygous state in gnomAD (v4.1.0) and in our in-house data of 3412 exomes. This variant is predicted to introduce a premature termination codon which may either cause the transcript to undergo nonsense-mediated mRNA decay (NMD) or result in a truncated protein product.